The following is an entry in ClinVar:

NM_001009944.3(PKD1):c.6137T>G (p.Leu2046Arg)

Gene: PKD1 (polycystin 1, transient receptor potential channel interacting; minus strand). Cytogenetic location: 16p13.3.
Variant type: single nucleotide variant.
Coding change: c.6137T>G on transcript NM_001009944.3 (MANE Select); coding-DNA position 6137, T replaced by G.
Protein change: p.Leu2046Arg; replaces leucine 2046 with arginine.
Molecular consequence: missense variant.
Genome position (GRCh38, 1-based): chr16:2,109,030, A>C on the plus strand (T>G on the coding strand, the complement: PKD1 is on the minus strand). VCF-style: chr16-2109030-A-C. GRCh37 (hg19) VCF-style: chr16-2159031-A-C.
Other names: c.6137T>G, p.Leu2046Arg (NM_000296.4); short protein forms L2046R.
Identifiers: ClinVar variation 4995136 (VCV004995136.1).

ClinVar aggregate classification (germline): Uncertain significance (1 of 4 stars; one submission).

Conditions:
PKD1-related disorder. Also called: PKD1-related condition.

gnomAD v4.1: 4 of 1,608,876 alleles (0.00025%); highest among the groups gnomAD compares: South Asian, 0.0011%; no homozygotes.

Submission:

PreventionGenetics, part of Exact Sciences
Classification: Uncertain significance for PKD1-related condition. Last evaluated: 2026-06-24. Review status: criteria provided, single submitter. Criteria: ACMG Guidelines, 2015. Collection method: clinical testing. Allele origin: germline.
Comment: The PKD1 c.6137T>G variant is predicted to result in the amino acid substitution p.Leu2046Arg. To our knowledge, this variant has not been reported in the literature or in a large population database (gnomAD), indicating this variant is rare. At this time, the clinical significance of this variant is uncertain due to the absence of conclusive functional and genetic evidence.